The following is an entry in ClinVar:

NM_001958.5(EEF1A2):c.1341C>T (p.Gly447=)

Gene: EEF1A2 (eukaryotic translation elongation factor 1 alpha 2; minus strand). Cytogenetic location: 20q13.33.
Variant type: single nucleotide variant.
Coding change: c.1341C>T on transcript NM_001958.5 (MANE Select); coding-DNA position 1341, C replaced by T.
Protein change: p.Gly447=; no amino-acid change (glycine 447 retained).
Molecular consequence: synonymous variant.
Genome position (GRCh38, 1-based): chr20:63,488,349, G>A on the plus strand (C>T on the coding strand, the complement: EEF1A2 is on the minus strand). VCF-style: chr20-63488349-G-A. GRCh37 (hg19) VCF-style: chr20-62119702-G-A.
Identifiers: ClinVar variation 682276 (VCV000682276.1), dbSNP rs1453471749, ClinGen allele CA511204036.

ClinVar aggregate classification (germline): Likely benign (1 of 4 stars; one submission).

gnomAD v4.1: 4 of 1,468,106 alleles (0.00027%); highest among the groups gnomAD compares: African/African-American, 0.0015%; no homozygotes.

Submission:

GeneDx
Classification: Likely benign. Last evaluated: 2018-04-20. Review status: criteria provided, single submitter. Criteria: GeneDx Variant Classification (06012015). Collection method: clinical testing. Allele origin: germline. Affected: yes.
Comment: This variant is considered likely benign or benign based on one or more of the following criteria: it is a conservative change, it occurs at a poorly conserved position in the protein, it is predicted to be benign by multiple in silico algorithms, and/or has population frequency not consistent with disease.